The following is an entry in ClinVar:

ClinVar aggregate classification (germline): Pathogenic (1 of 4 stars; one submission).

Conditions:
Desmin-related myofibrillar myopathy (MFM1). Also called: Desminopathy; Desmin related myopathy (former name); Desmin storage myopathy (former name); MYOFIBRILLAR MYOPATHY WITH ARRHYTHMOGENIC RIGHT VENTRICULAR CARDIOMYOPATHY; DESMIN-RELATED MYOPATHY WITH ARRHYTHMOGENIC RIGHT VENTRICULAR CARDIOMYOPATHY; Myofibrillar myopathy 1. Identifiers: Orphanet 363543, Orphanet 98909, MedGen C1832370, MONDO:0011076, OMIM 601419.

Submission:

Labcorp Genetics (formerly Invitae), Labcorp
Classification: Pathogenic for Muscular dystrophy, limb-girdle, type 2R; Myofibrillar myopathy 1. Last evaluated: 2018-04-20. Review status: criteria provided, single submitter. Criteria: Invitae Variant Classification Sherloc (09022015). Collection method: clinical testing. Allele origin: germline.
Comment: A gross deletion of the genomic region encompassing the full coding sequence of the DES gene has been identified. The boundaries of this event are unknown as the deletion extends beyond the assayed region for this gene and therefore may encompass additional genes. This variant has not been reported in the literature in individuals with DES-related disease. Loss-of-function variants in DES are known to be pathogenic (PMID: 23575897). For these reasons, this variant has been classified as Pathogenic.

NC_000002.11:g.(?_219135239)_(220290732_?)del

Genes: ABCB6 (ATP binding cassette subfamily B member 6 (LAN blood group); minus strand), ANKZF1 (ankyrin repeat and zinc finger peptidyl tRNA hydrolase 1; plus strand), ATG9A (autophagy related 9A; minus strand), BCS1L (BCS1 ubiquinol-cytochrome c reductase complex chaperone; plus strand), CATIP (ciliogenesis associated TTC17 interacting protein; plus strand) and 36 more. Cytogenetic location: 2q35.
Variant type: Deletion.
Identifiers: ClinVar variation 583449 (VCV000583449.1).